The following is an entry in ClinVar:

NM_014625.4(NPHS2):c.410_413del (p.Phe137fs)

Gene: NPHS2 (NPHS2 stomatin family member, podocin; minus strand). Cytogenetic location: 1q25.2.
Variant type: Deletion.
Coding change: c.410_413del on transcript NM_014625.4 (MANE Select); coding-DNA positions 410 to 413, 4 bases deleted (TCCG; older notation c.410_413delTCCG).
Protein change: p.Phe137fs; shifts the reading frame from phenylalanine 137.
Molecular consequence: frameshift variant.
Genome position (GRCh38, 1-based): chr1:179,561,327-179,561,330, CGGA deleted on the plus strand (TCCG on the coding strand, the reverse complement: NPHS2 is on the minus strand). VCF-style (leftmost placement, unchanged base first): chr1-179561326-TCGGA-T. GRCh37 (hg19) VCF-style: chr1-179530461-TCGGA-T.
Other names: c.410_413del, p.Phe137fs (NM_001297575.2); short protein forms F137fs.
Identifiers: ClinVar variation 1726960 (VCV001726960.2), dbSNP rs2526297492, ClinGen allele CA2580061541.
Genomic context (GRCh38, chr1:179,561,326, plus strand): 5'-GAAAAAAAAGAGTGTTTTTTTACCAGGGCCTTTGGCTCTTCCAGGAAGCAGATGTCCCAG[TCGGA>T]ATATAATTACTCTTTCATACTCTTGTACAACCTAAAGAGAAATTTAATCCTTTCAAATCA-3'

ClinVar aggregate classification (germline): Likely pathogenic (1 of 4 stars; one submission).

Conditions:
Nephrotic syndrome, type 2 (NPHS2). Also called: NEPHROTIC SYNDROME, STEROID-RESISTANT, AUTOSOMAL RECESSIVE. Identifiers: Orphanet 656, MedGen C1868672, MONDO:0010974, OMIM 600995.

Submission:

Myriad Genetics, Inc.
Classification: Likely pathogenic for Nephrotic syndrome, type 2. Last evaluated: 2022-01-02. Review status: criteria provided, single submitter. Criteria: Myriad Women's Health Autosomal Recessive and X-Linked Classification Criteria (2021). Collection method: clinical testing. Allele origin: unknown.
Comment: NM_014625.2(NPHS2):c.410_413delTCCG(F137Yfs*43) is expected to be pathogenic in the context of nephrotic syndrome, NPHS2-related. This variant is predicted to lead to an abnormal or absent protein product due to the creation of a premature termination codon in NPHS2, a gene where loss-of-function variants are known to be pathogenic. Please note: this variant was assessed in the context of healthy population screening.